The following is an entry in ClinVar:

NM_000540.3(RYR1):c.12997_13020dup (p.Val4340_Thr4341insAlaAlaLeuLeuTrpAlaAlaVal)

Gene: RYR1 (ryanodine receptor 1; plus strand). Cytogenetic location: 19q13.2.
Variant type: Duplication.
Coding change: c.12997_13020dup on transcript NM_000540.3 (MANE Select); coding-DNA positions 12997 to 13020, 24 bases duplicated (GCGGCGCTGCTCTGGGCAGCAGTG).
Protein change: p.Val4340_Thr4341insAlaAlaLeuLeuTrpAlaAlaVal.
Molecular consequence: inframe insertion.
Genome position (GRCh38, 1-based): chr19:38,565,331-38,565,354, GCGGCGCTGCTCTGGGCAGCAGTG duplicated; duplicating any 24 consecutive bases within chr19:38,565,325-38,565,354 gives the same sequence; the c. name uses the placement nearest the transcript's 3' end. VCF-style (leftmost placement, unchanged base first): chr19-38565324-C-CGCAGTGGCGGCGCTGCTCTGGGCA. GRCh37 (hg19) VCF-style: chr19-39055964-C-CGCAGTGGCGGCGCTGCTCTGGGCA.
Other names: c.12982_13005dup, p.Val4335_Thr4336insAlaAlaLeuLeuTrpAlaAlaVal (NM_001042723.2).
Identifiers: ClinVar variation 4719407 (VCV004719407.1).
Genomic context (GRCh38, chr19:38,565,324, plus strand): 5'-CCGCAGCCTGCGGCGGCGCGTGCGGCGGCTGCGGCGGCTTACGGCCCGCGAGGCGGCCAC[C>CGCAGTGGCGGCGCTGCTCTGGGCA]GCAGTGGCGGCGCTGCTCTGGGCAGCAGTGACGCGCGCTGGGGCCGCTGGCGCGGGGGCG-3'

ClinVar aggregate classification (germline): Uncertain significance (1 of 4 stars; one submission).

Conditions:
RYR1-related disorder. Also called: RYR1-related condition; RYR1-related disorders. Identifiers: MedGen CN239331.

Submission:

Labcorp Genetics (formerly Invitae), Labcorp
Classification: Uncertain significance for RYR1-related disorder. Last evaluated: 2025-05-11. Review status: criteria provided, single submitter. Criteria: Invitae Variant Classification Sherloc (09022015). Collection method: clinical testing. Allele origin: germline.
Comment: This variant, c.12997_13020dup, results in the insertion of 8 amino acid(s) of the RYR1 protein (p.Ala4333_Val4340dup), but otherwise preserves the integrity of the reading frame. This variant is not present in population databases (gnomAD no frequency). This variant has not been reported in the literature in individuals affected with RYR1-related conditions. In summary, the available evidence is currently insufficient to determine the role of this variant in disease. Therefore, it has been classified as a Variant of Uncertain Significance.